The following is an entry in ClinVar:

NM_000384.3(APOB):c.6611A>G (p.Glu2204Gly)

Gene: APOB (apolipoprotein B; minus strand). Cytogenetic location: 2p24.1.
Variant type: single nucleotide variant.
Coding change: c.6611A>G on transcript NM_000384.3 (MANE Select); coding-DNA position 6611, A replaced by G.
Protein change: p.Glu2204Gly; replaces glutamic acid 2204 with glycine.
Molecular consequence: missense variant.
Genome position (GRCh38, 1-based): chr2:21,010,257, T>C on the plus strand (A>G on the coding strand, the complement: APOB is on the minus strand). VCF-style: chr2-21010257-T-C. GRCh37 (hg19) VCF-style: chr2-21233129-T-C.
Other names: short protein forms E2204G.
Identifiers: ClinVar variation 3933788 (VCV003933788.2).

ClinVar aggregate classification (germline): Uncertain significance (1 of 4 stars; one submission).

Conditions:
Cardiovascular phenotype. Identifiers: MedGen CN230736.

Submission:

Ambry Genetics
Classification: Uncertain significance for Cardiovascular phenotype. Last evaluated: 2025-10-14. Review status: criteria provided, single submitter. Criteria: Ambry Variant Classification Scheme 2023. Collection method: clinical testing. Allele origin: germline.
Comment: The p.E2204G variant (also known as c.6611A>G), located in coding exon 26 of the APOB gene, results from an A to G substitution at nucleotide position 6611. The glutamic acid at codon 2204 is replaced by glycine, an amino acid with similar properties. This amino acid position is conserved. In addition, this alteration is predicted to be tolerated by in silico analysis. Based on the available evidence, the clinical significance of this variant remains unclear.